The following is an entry in ClinVar:

ClinVar aggregate classification (germline): Conflicting classifications of pathogenicity. Review status: criteria provided, conflicting classifications (1 of 4 stars). 6 submissions from 6 submitters: Likely pathogenic (3); Uncertain significance (3). Last evaluated 2026-03-23.

Conditions:
Inborn genetic diseases. Identifiers: MedGen C0950123, MeSH D030342.
PIGV-related disorder. Also called: PIGV-related condition; PIGV-related disorders.
Hyperphosphatasia with impaired intellectual development syndrome 1. Also called: MABRY SYNDROME; GLYCOSYLPHOSPHATIDYLINOSITOL BIOSYNTHESIS DEFECT 2; Hyperphosphatasia with intellectual disability syndrome 1. Identifiers: Orphanet 247262, MedGen C4551502, MONDO:0009398, OMIM 239300.

Allele frequency attached by ClinVar (database versions not stated): gnomAD exomes 0.00002 and 0.00001; TOPMed 0.00003; gnomAD 0.00004 and 0.00003; ExAC 0.00002.
gnomAD v4.1: 21 of 1,614,102 alleles (0.0013%); highest among the groups gnomAD compares: African/African-American, 0.0027%; no homozygotes.

Submissions (6):

Ambry Genetics
Classification: Uncertain significance for Inborn genetic diseases. Last evaluated: 2026-03-23. Review status: criteria provided, single submitter. Criteria: Ambry Variant Classification Scheme 2023. Collection method: clinical testing. Allele origin: germline.
Comment: The c.614A>G (p.N205S) alteration is located in exon 3 (coding exon 2) of the PIGV gene. This alteration results from a A to G substitution at nucleotide position 614, causing the asparagine (N) at amino acid position 205 to be replaced by a serine (S). Based on data from gnomAD, the G allele has an overall frequency of 0.002% (5/282862) total alleles studied. The highest observed frequency was 0.005% (1/19952) of East Asian alleles. This variant was reported in individual(s) with features consistent with PIGV-related hyperphosphatasia with impaired intellectual development syndrome (Hsieh, 2019; Ambry internal data). This amino acid position is highly conserved in available vertebrate species. The in silico prediction for this alteration is inconclusive. Based on insufficient or conflicting evidence, the clinical significance of this alteration remains unclear.

Blueprint Genetics
Classification: Likely pathogenic for PIGV-related disorders. Last evaluated: 2024-07-25. Review status: criteria provided, single submitter. Criteria: ACMG Guidelines, 2015. Collection method: clinical testing. Allele origin: germline. Affected: yes. Observed: 2 variant alleles.

Labcorp Genetics (formerly Invitae), Labcorp
Classification: Uncertain significance. Last evaluated: 2023-08-24. Review status: criteria provided, single submitter. Criteria: Invitae Variant Classification Sherloc (09022015). Collection method: clinical testing. Allele origin: germline.
Comment: In summary, the available evidence is currently insufficient to determine the role of this variant in disease. Therefore, it has been classified as a Variant of Uncertain Significance. Advanced modeling of protein sequence and biophysical properties (such as structural, functional, and spatial information, amino acid conservation, physicochemical variation, residue mobility, and thermodynamic stability) performed at Invitae indicates that this missense variant is expected to disrupt PIGV protein function. ClinVar contains an entry for this variant (Variation ID: 421662). This variant has not been reported in the literature in individuals affected with PIGV-related conditions. This variant is present in population databases (rs766452597, gnomAD 0.005%). This sequence change replaces asparagine, which is neutral and polar, with serine, which is neutral and polar, at codon 205 of the PIGV protein (p.Asn205Ser).

GeneDx
Classification: Likely pathogenic. Last evaluated: 2023-07-10. Review status: criteria provided, single submitter. Criteria: GeneDx Variant Classification Process June 2021. Collection method: clinical testing. Allele origin: germline. Affected: yes.
Comment: Reported as a pathogenic variant in a cohort of individuals undergoing whole exome seqeuncing for preconception carrier screening (Capalbo et al., 2019); Observed with another likely pathogenic variant in a patient with GPI-deficiency-associated epilepsy and neurodevelopmental impairment in published literature (Bayat et al., 2022); however, it is unclear whether the variants are on the same allele (in cis) or on opposite alleles (in trans); Not observed at significant frequency in large population cohorts (gnomAD); In silico analysis supports that this missense variant has a deleterious effect on protein structure/function; This variant is associated with the following publications: (PMID: 31589614, 35080266)

CeGaT Center for Human Genetics Tuebingen
Classification: Likely pathogenic. Last evaluated: 2018-08-01. Review status: criteria provided, single submitter. Criteria: CeGaT Center For Human Genetics Tuebingen Variant Classification Criteria Version 2. Collection method: clinical testing. Allele origin: germline. Affected: yes. Observed: 2 variant alleles.

Illumina Laboratory Services, Illumina
Classification: Uncertain significance for Hyperphosphatasia with impaired intellectual development syndrome 1. Last evaluated: 2018-01-12. Review status: criteria provided, single submitter. Criteria: ICSL Variant Classification Criteria 13 December 2019. Collection method: clinical testing. Allele origin: germline.

Literature cited by the submitters: PubMed 31164752 (cited by Ambry Genetics).

NM_017837.4(PIGV):c.614A>G (p.Asn205Ser)

Gene: PIGV (phosphatidylinositol glycan anchor biosynthesis class V; plus strand). Cytogenetic location: 1p36.11.
Variant type: single nucleotide variant.
Coding change: c.614A>G on transcript NM_017837.4 (MANE Select); coding-DNA position 614, A replaced by G.
Protein change: p.Asn205Ser; replaces asparagine 205 with serine.
Molecular consequence: missense variant. On other transcripts: non-coding transcript variant (1), intron variant (3).
Genome position (GRCh38, 1-based): chr1:26,794,648, A>G. VCF-style: chr1-26794648-A-G. GRCh37 (hg19) VCF-style: chr1-27121139-A-G.
Other names: c.614A>G, p.Asn205Ser (NM_001374480.1, NM_001374481.1, NM_001374482.1 and 2 more transcripts); c.233A>G, p.Asn78Ser (NM_001374483.1); c.173-186A>G (NM_001374484.1, NM_001374485.1); c.79-2915A>G (NM_001374486.1); short protein forms N205S, N78S.
Identifiers: ClinVar variation 421662 (VCV000421662.57), dbSNP rs766452597, ClinGen allele CA708081.